The following is an entry in ClinVar:

ClinVar aggregate classification (germline): Pathogenic (1 of 4 stars; one submission).

Conditions:
COL4A5-related disorder. Also called: COL4A5-related condition.

Submission:

PreventionGenetics, part of Exact Sciences
Classification: Pathogenic for COL4A5-related condition. Last evaluated: 2026-06-21. Review status: criteria provided, single submitter. Criteria: ACMG Guidelines, 2015. Collection method: clinical testing. Allele origin: germline.
Comment: The COL4A5 c.3491G>C variant is predicted to result in the amino acid substitution p.Gly1164Ala. This variant has been reported in a family with Alport syndrome (Table S2. Yamamura et al. 2017. PubMed ID: 29270492). The p.Gly1164 residue is located in the triple-helical region (residues 42 – 1456) of the COL4A5 protein. The majority of pathogenic variants in COL4A5 substitute a glycine residue to a bulkier amino acid in the triple-helical domain (Hudson et al. 1993. PubMed ID: 8253711). This variant has not been reported in a large population database (gnomAD), indicating this variant is rare. This variant is interpreted as pathogenic.

NM_033380.3(COL4A5):c.3491G>C (p.Gly1164Ala)

Gene: COL4A5 (collagen type IV alpha 5 chain; plus strand). Cytogenetic location: Xq22.3.
Variant type: single nucleotide variant.
Coding change: c.3491G>C on transcript NM_033380.3 (MANE Select); coding-DNA position 3491, G replaced by C.
Protein change: p.Gly1164Ala; replaces glycine 1164 with alanine.
Molecular consequence: missense variant.
Genome position (GRCh38, 1-based): chrX:108,666,532, G>C. VCF-style: chrX-108666532-G-C. GRCh37 (hg19) VCF-style: chrX-107909762-G-C.
Other names: c.3491G>C, p.Gly1164Ala (NM_000495.5); short protein forms G1164A.
Identifiers: ClinVar variation 4994210 (VCV004994210.1).
Genomic context (GRCh38, chrX:108,666,532, plus strand): 5'-AACCTGCTGTACTCAATTTTTTAGGTGGTGGAGGTCATCCTGGGCAACCAGGGCCTCCAG[G>C]CGAAAAAGGCAAACCCGGTCAAGATGGTATTCCTGGACCAGCTGGACAGAAGGGTGAACC-3'
Protein context (NP_203699.1, residues 1154-1174): GGHPGQPGPP[Gly1164Ala]EKGKPGQDGI